The following is an entry in ClinVar:

ClinVar aggregate classification (germline): Uncertain significance (1 of 4 stars; one submission).

Submission:

CeGaT Center for Human Genetics Tuebingen
Classification: Uncertain significance. Last evaluated: 2023-07-01. Review status: criteria provided, single submitter. Criteria: CeGaT Center For Human Genetics Tuebingen Variant Classification Criteria Version 2. Collection method: clinical testing. Allele origin: germline. Affected: yes. Observed: 1 variant allele.
Comment: LRP5: PM2

NM_002335.4(LRP5):c.4441_4445delinsTG (p.Ala1481_Ser1482delinsTrp)

Gene: LRP5 (LDL receptor related protein 5; plus strand). Cytogenetic location: 11q13.2.
Variant type: Indel.
Coding change: c.4441_4445delinsTG on transcript NM_002335.4 (MANE Select); coding-DNA positions 4441 to 4445, GCCTC replaced by TG.
Protein change: p.Ala1481_Ser1482delinsTrp.
Molecular consequence: inframe indel.
Genome position (GRCh38, 1-based): chr11:68,439,869-68,439,873, GCCTC replaced by TG. VCF-style: chr11-68439869-GCCTC-TG. GRCh37 (hg19) VCF-style: chr11-68207337-GCCTC-TG.
Other names: c.2698_2702delinsTG, p.Ala900_Ser901delinsTrp (NM_001291902.2).
Identifiers: ClinVar variation 2642044 (VCV002642044.24), dbSNP rs2496908647, ClinGen allele CA2695198921.
Genomic context (GRCh38, chr11:68,439,869, plus strand): 5'-GTGAGCCTGATGGGGGGCCGGGGCGGGGTGCCCCTCTACGACCGGAACCACGTCACAGGG[GCCTC>TG]GTCCAGCAGCTCGTCCAGCACGAAGGCCACGCTGTACCCGCCGGTGAGGGGCGGGGCCGG-3'